The following is an entry in ClinVar:

ClinVar aggregate classification (germline): Pathogenic. Review status: criteria provided, multiple submitters, no conflicts (2 of 4 stars). 2 submissions from 2 submitters: Pathogenic (2). Last evaluated 2021-03-23.

Conditions:
Autosomal recessive limb-girdle muscular dystrophy type 2A (LGMDR1). Also called: Calpainopathy; LEYDEN-MOEBIUS MUSCULAR DYSTROPHY; MUSCULAR DYSTROPHY, PELVOFEMORAL; Limb-girdle muscular dystrophy, type 2A; Muscular dystrophy, limb-girdle, type 2A, Amish. Identifiers: Orphanet 267, MedGen C1869123, MONDO:0009675, OMIM 253600. Disease mechanism: loss of function.
Muscular dystrophy, limb-girdle, autosomal dominant 4. Also called: Calpain-3-related limb-girdle muscular dystrophy D4; MUSCULAR DYSTROPHY, LIMB-GIRDLE, TYPE 1I. Identifiers: Orphanet 565909, MedGen C4748295, MONDO:0029133, OMIM 618129.

Submissions (2):

Labcorp Genetics (formerly Invitae), Labcorp
Classification: Pathogenic for Autosomal recessive limb-girdle muscular dystrophy type 2A. Last evaluated: 2021-03-23. Review status: criteria provided, single submitter. Criteria: Invitae Variant Classification Sherloc (09022015). Collection method: clinical testing. Allele origin: germline.
Comment: This sequence change creates a premature translational stop signal (p.Phe88Leufs*2) in the CAPN3 gene. It is expected to result in an absent or disrupted protein product. Loss-of-function variants in CAPN3 are known to be pathogenic (PMID: 10330340, 15689361). This variant is not present in population databases (ExAC no frequency). This variant has been observed in individual(s) with CAPN3-related conditions (PMID: 28403181). For these reasons, this variant has been classified as Pathogenic.

Juno Genomics, Hangzhou Juno Genomics, Inc
Classification: Pathogenic for Muscular dystrophy, limb-girdle, autosomal dominant 4; Autosomal recessive limb-girdle muscular dystrophy type 2A. Review status: criteria provided, single submitter. Criteria: ACMG Guidelines, 2015. Collection method: clinical testing. Allele origin: germline.
Comment: Absent from controls (or at extremely low frequency if recessive) in Genome Aggregation Database.;Null variant in a gene where loss of function (LOF) is a known mechanism of disease.;For recessive disorders, detected in trans with a pathogenic variant.

Literature cited by the submitters: PubMed 10330340 (cited by Labcorp Genetics (formerly Invitae), Labcorp); PubMed 15689361 (cited by Labcorp Genetics (formerly Invitae), Labcorp); PubMed 28403181 (cited by Labcorp Genetics (formerly Invitae), Labcorp).

NM_000070.3(CAPN3):c.261_262del (p.Phe88fs)

Gene: CAPN3 (calpain 3; plus strand). Cytogenetic location: 15q15.1.
Variant type: Microsatellite.
Coding change: c.261_262del on transcript NM_000070.3 (MANE Select); coding-DNA positions 261 to 262, 2 bases deleted (CT; older notation c.261_262delCT).
Protein change: p.Phe88fs; shifts the reading frame from phenylalanine 88.
Molecular consequence: frameshift variant.
Genome position (GRCh38, 1-based): chr15:42,360,066-42,360,067, CT deleted; deleting any 2 consecutive bases within chr15:42,360,060-42,360,067 gives the same sequence; the c. name uses the placement nearest the transcript's 3' end. VCF-style (leftmost placement, unchanged base first): chr15-42360059-CCT-C. GRCh37 (hg19) VCF-style: chr15-42652257-CCT-C.
Other names: c.261_262del, p.Phe88fs (NM_024344.2, NM_173087.2); short protein forms F88fs.
Identifiers: ClinVar variation 1458707 (VCV001458707.10), dbSNP rs763649825, ClinGen allele CA618001482.